The following is an entry in ClinVar:

ClinVar aggregate classification (germline): Conflicting classifications of pathogenicity. Review status: criteria provided, conflicting classifications (1 of 4 stars). 2 submissions from 2 submitters: Uncertain significance (1); Likely benign (1). Last evaluated 2025-01-05.

gnomAD v4.1: 1 of 1,613,824 alleles (0.000062%); no homozygotes.

Submissions (2):

Labcorp Genetics (formerly Invitae), Labcorp
Classification: Likely benign. Last evaluated: 2025-01-05. Review status: criteria provided, single submitter. Criteria: Invitae Variant Classification Sherloc (09022015). Collection method: clinical testing. Allele origin: germline.

Genetic Services Laboratory, University of Chicago
Classification: Uncertain significance. Last evaluated: 2021-12-10. Review status: criteria provided, single submitter. Criteria: ACMG Guidelines, 2015. Collection method: clinical testing. Allele origin: germline. Affected: no.
Comment: DNA sequence analysis of the AMH gene demonstrated a sequence change in intron 3, c.463+10A>G. This change does not appear to have been previously described in individuals with AMH-related disorders and has also not been described in population databases such as ExAC and gnomAD. This sequence change is not predicted to have a deleterious effect on splicing based on in-silico splice prediction programs. It is possible that this sequence change represents a benign sequence change in the AMH gene that has not been identified to date. The functional significance of this sequence change is not known at present and its contribution to this individual's disease phenotype cannot definitively be determined.

NM_004560.4(ROR2):c.463+10A>G

Gene: ROR2 (receptor tyrosine kinase like orphan receptor 2; minus strand). Cytogenetic location: 9q22.31.
Variant type: single nucleotide variant.
Coding change: c.463+10A>G on transcript NM_004560.4 (MANE Select); 10 bases into the intron after coding-DNA position 463, A replaced by G.
Molecular consequence: intron variant.
Genome position (GRCh38, 1-based): chr9:91,757,262, T>C on the plus strand (A>G on the coding strand, the complement: ROR2 is on the minus strand). VCF-style: chr9-91757262-T-C. GRCh37 (hg19) VCF-style: chr9-94519544-T-C.
Other names: c.463+10A>G (NM_001318204.2).
Identifiers: ClinVar variation 1338163 (VCV001338163.6), dbSNP rs2118848019, ClinGen allele CA2573053194.
Genomic context (GRCh38, chr9:91,757,262, plus strand): 5'-CTGGACCTCTTGCTCGGTGGCTGGGAACCTTCATATCTGCTAACCCACACAATTTCACTG[T>C]CCAACTCACCCAGCCGCACAAACAGGACGCCAGTGGCGGTAATGGTCTTCATCCCGTTGG-3'